The following is an entry in ClinVar:

ClinVar aggregate classification (germline): Conflicting classifications of pathogenicity. Review status: criteria provided, conflicting classifications (1 of 4 stars). 4 submissions from 4 submitters: Uncertain significance (2); Likely benign (1). 1 of the submissions does not count toward it. Last evaluated 2025-12-14.

Conditions:
Usher syndrome type 1B (USH1B). Also called: Usher syndrome type IB. Identifiers: MedGen C1848638, MONDO:0700087.

Allele frequency attached by ClinVar (database versions not stated): gnomAD exomes 0.00004; ExAC 0.00005; ESP Exome Variant Server 0.00008; gnomAD 0.00008 and 0.00010; TOPMed 0.00014.
gnomAD v4.1: 73 of 1,612,094 alleles (0.0045%); highest among the groups gnomAD compares: African/African-American, 0.02%; no homozygotes.

Submissions (4):

Labcorp Genetics (formerly Invitae), Labcorp
Classification: Likely benign. Last evaluated: 2025-12-14. Review status: criteria provided, single submitter. Criteria: Invitae Variant Classification Sherloc (09022015). Collection method: clinical testing. Allele origin: germline.

GeneDx
Classification: Uncertain significance. Last evaluated: 2025-04-03. Review status: criteria provided, single submitter. Criteria: GeneDx Variant Classification Process June 2021. Collection method: clinical testing. Allele origin: germline. Affected: yes.
Comment: Reported in association with Usher syndrome in published literature (Yan 2020 [abstract]); however, segregation and clinical information not available; In silico analysis supports that this missense variant has a deleterious effect on protein structure/function; This variant is associated with the following publications: (PMID: 31850270, Yan2020[Abstract])

Blueprint Genetics
Classification: Uncertain significance. Last evaluated: 2021-04-29. Review status: criteria provided, single submitter. Criteria: ACMG Guidelines, 2015. Collection method: clinical testing. Allele origin: germline.

Natera, Inc.
Classification: Uncertain significance for Usher syndrome type 1B. Last evaluated: 2020-09-16. Review status: no assertion criteria provided. Collection method: clinical testing. Allele origin: germline. Not counted in ClinVar's aggregate classification.

NM_000260.4(MYO7A):c.2680G>A (p.Glu894Lys)

Gene: MYO7A (myosin VIIA; plus strand). Cytogenetic location: 11q13.5.
Variant type: single nucleotide variant.
Coding change: c.2680G>A on transcript NM_000260.4 (MANE Select); coding-DNA position 2680, G replaced by A.
Protein change: p.Glu894Lys; replaces glutamic acid 894 with lysine.
Molecular consequence: missense variant.
Genome position (GRCh38, 1-based): chr11:77,180,467, G>A. VCF-style: chr11-77180467-G-A. GRCh37 (hg19) VCF-style: chr11-76891513-G-A.
Other names: c.2680G>A, p.Glu894Lys (NM_001127180.2); c.2647G>A, p.Glu883Lys (NM_001369365.1); short protein forms E883K, E894K.
Identifiers: ClinVar variation 836524 (VCV000836524.11), dbSNP rs372366760, ClinGen allele CA6197895.